The following is an entry in ClinVar:

NM_031427.4(DNAL1):c.505_508dup (p.Val170fs)

Gene: DNAL1 (dynein axonemal light chain 1; plus strand). Cytogenetic location: 14q24.3.
Variant type: Microsatellite.
Coding change: c.505_508dup on transcript NM_031427.4 (MANE Select); coding-DNA positions 505 to 508, 4 bases duplicated (AGAG; older notation c.505_508dupAGAG).
Protein change: p.Val170fs; shifts the reading frame from valine 170.
Molecular consequence: frameshift variant.
Genome position (GRCh38, 1-based): chr14:73,689,488-73,689,491, AGAG duplicated; duplicating any 4 consecutive bases within chr14:73,689,486-73,689,491 gives the same sequence; the c. name uses the placement nearest the transcript's 3' end. VCF-style (leftmost placement, unchanged base first): chr14-73689485-A-AAGAG. GRCh37 (hg19) VCF-style: chr14-74156188-A-AAGAG.
Other names: c.388_391dup, p.Val131fs (NM_001201366.2); short protein forms V170fs, V131fs.
Identifiers: ClinVar variation 4723169 (VCV004723169.1).

ClinVar aggregate classification (germline): Uncertain significance (1 of 4 stars; one submission).

Conditions:
Primary ciliary dyskinesia 16. Also called: CILIARY DYSKINESIA, PRIMARY, 16, WITH OR WITHOUT SITUS INVERSUS. Identifiers: Orphanet 244, MedGen C3151460, MONDO:0013525, OMIM 614017.

Submission:

Labcorp Genetics (formerly Invitae), Labcorp
Classification: Uncertain significance for Primary ciliary dyskinesia 16. Last evaluated: 2025-07-14. Review status: criteria provided, single submitter. Criteria: Invitae Variant Classification Sherloc (09022015). Collection method: clinical testing. Allele origin: germline.
Comment: This sequence change creates a premature translational stop signal (p.Val170Glufs*15) in the DNAL1 gene. While this is not anticipated to result in nonsense mediated decay, it is expected to disrupt the last 21 amino acid(s) of the DNAL1 protein. This variant is not present in population databases (gnomAD no frequency). This variant has not been reported in the literature in individuals affected with DNAL1-related conditions. Experimental studies and prediction algorithms are not available or were not evaluated, and the functional significance of this variant is currently unknown. This variant disrupts a region of the DNAL1 protein in which other variant(s) (p.Asp177Gly) have been observed in individuals with DNAL1-related conditions (internal data). This suggests that this is a clinically significant region of the protein, and that variants that disrupt it are likely to be disease-causing. In summary, the available evidence is currently insufficient to determine the role of this variant in disease. Therefore, it has been classified as a Variant of Uncertain Significance.